The following is an entry in ClinVar:

NM_001267550.2(TTN):c.13555A>G (p.Ile4519Val)

Gene: TTN (titin; minus strand). Cytogenetic location: 2q31.2.
Variant type: single nucleotide variant.
Coding change: c.13555A>G on transcript NM_001267550.2 (MANE Select); coding-DNA position 13555, A replaced by G.
Protein change: p.Ile4519Val; replaces isoleucine 4519 with valine.
Molecular consequence: missense variant. On other transcripts: intron variant (1).
Genome position (GRCh38, 1-based): chr2:178,739,678, T>C on the plus strand (A>G on the coding strand, the complement: TTN is on the minus strand). VCF-style: chr2-178739678-T-C. GRCh37 (hg19) VCF-style: chr2-179604405-T-C.
Other names: p.Ile4202Val; c.12604A>G, p.Ile4202Val (NM_001256850.1); c.12466A>G, p.Ile4156Val (NM_003319.4); c.12841A>G, p.Ile4281Val (NM_133432.3); c.13042A>G, p.Ile4348Val (NM_133437.4); c.10361-1318A>G (NM_133378.4); c.13555A>G (NM_001267550.1); short protein forms I4519V, I4156V, I4202V, I4281V, I4348V.
Identifiers: ClinVar variation 405136 (VCV000405136.5), dbSNP rs759140842, ClinGen allele CA16610506.

ClinVar aggregate classification (germline): Uncertain significance. Review status: criteria provided, multiple submitters, no conflicts (2 of 4 stars). 3 submissions from 3 submitters: Uncertain significance (3). Last evaluated 2023-11-27.

Conditions:
Dilated cardiomyopathy 1G (CMD1G). Identifiers: Orphanet 154, MedGen C1858763, MONDO:0011400, OMIM 604145.
Autosomal recessive limb-girdle muscular dystrophy type 2J (LGMDR10). Also called: Limb-girdle muscular dystrophy, type 2J; MUSCULAR DYSTROPHY, LIMB-GIRDLE, AUTOSOMAL RECESSIVE 10. Identifiers: Orphanet 140922, MedGen C1837342, MONDO:0012127, OMIM 608807.

Allele frequency attached by ClinVar (database versions not stated): gnomAD 0.00001; gnomAD exomes 0.00002; TOPMed 0.00002.
gnomAD v4.1: 24 of 1,613,820 alleles (0.0015%); highest among the groups gnomAD compares: Non-Finnish European, 0.002%; no homozygotes.

Submissions (3):

GeneDx
Classification: Uncertain significance. Last evaluated: 2023-11-27. Review status: criteria provided, single submitter. Criteria: GeneDx Variant Classification Process June 2021. Collection method: clinical testing. Allele origin: germline. Affected: yes.
Comment: Not observed at significant frequency in large population cohorts (gnomAD); Missense variant in a gene in which most reported pathogenic variants are truncating/loss of function; Has not been previously published as pathogenic or benign to our knowledge

Mayo Clinic Laboratories, Mayo Clinic
Classification: Uncertain significance. Last evaluated: 2022-04-28. Review status: criteria provided, single submitter. Criteria: ACMG Guidelines, 2015. Collection method: clinical testing. Allele origin: germline. Observed: 1 variant allele.
Comment: BP4, PM2_supporting

Labcorp Genetics (formerly Invitae), Labcorp
Classification: Uncertain significance for Dilated cardiomyopathy 1G; Autosomal recessive limb-girdle muscular dystrophy type 2J. Last evaluated: 2016-07-12. Review status: criteria provided, single submitter. Criteria: Invitae Variant Classification Sherloc (09022015). Collection method: clinical testing. Allele origin: germline.